The following is an entry in ClinVar:

ClinVar aggregate classification (germline): Uncertain significance (1 of 4 stars; one submission).

Conditions:
Hereditary cancer-predisposing syndrome. Also called: Hereditary Cancer Syndrome; Hereditary neoplastic syndrome; Neoplastic Syndromes, Hereditary; Tumor predisposition. Identifiers: Orphanet 140162, MedGen C0027672, MeSH D009386, MONDO:0015356.

Allele frequency attached by ClinVar (database versions not stated): TOPMed below 0.00001.

Submission:

Ambry Genetics
Classification: Uncertain significance for Hereditary cancer-predisposing syndrome. Last evaluated: 2022-05-30. Review status: criteria provided, single submitter. Criteria: Ambry Variant Classification Scheme 2023. Collection method: clinical testing. Allele origin: germline.
Comment: The p.F456L variant (also known as c.1368C>A), located in coding exon 12 of the SUFU gene, results from a C to A substitution at nucleotide position 1368. The phenylalanine at codon 456 is replaced by leucine, an amino acid with highly similar properties. This amino acid position is conserved. In addition, this alteration is predicted to be tolerated by in silico analysis. Since supporting evidence is limited at this time, the clinical significance of this alteration remains unclear.

NM_016169.4(SUFU):c.1368C>A (p.Phe456Leu)

Gene: SUFU (SUFU negative regulator of hedgehog signaling; plus strand). Cytogenetic location: 10q24.32.
Variant type: single nucleotide variant.
Coding change: c.1368C>A on transcript NM_016169.4 (MANE Select); coding-DNA position 1368, C replaced by A.
Protein change: p.Phe456Leu; replaces phenylalanine 456 with leucine.
Molecular consequence: missense variant.
Genome position (GRCh38, 1-based): chr10:102,630,068, C>A. VCF-style: chr10-102630068-C-A. GRCh37 (hg19) VCF-style: chr10-104389825-C-A.
Other names: short protein forms F456L.
Identifiers: ClinVar variation 1770967 (VCV001770967.2), dbSNP rs2063823996, ClinGen allele CA377920401.